The following is an entry in ClinVar:

ClinVar aggregate classification (germline): Uncertain significance. Review status: criteria provided, multiple submitters, no conflicts (2 of 4 stars). 3 submissions from 3 submitters: Uncertain significance (3). Last evaluated 2025-04-07.

Conditions:
Gorlin syndrome. Also called: Basal cell nevus syndrome; Nevoid Basal Cell Carcinoma Syndrome. Identifiers: Orphanet 377, MedGen C0004779, MONDO:0007187.
Medulloblastoma (MDB). Also called: Medulloblastoma, somatic; MEDULLOBLASTOMA PREDISPOSITION SYNDROME. Identifiers: Orphanet 616, MedGen C0025149, MeSH D008527, MONDO:0007959, OMIM 155255, HP:0002885.
Hereditary cancer-predisposing syndrome. Also called: Neoplastic Syndromes, Hereditary; Hereditary Cancer Syndrome; Tumor predisposition; Hereditary neoplastic syndrome. Identifiers: Orphanet 140162, MedGen C0027672, MeSH D009386, MONDO:0015356.

Allele frequency attached by ClinVar (database versions not stated): gnomAD exomes below 0.00001 and 0.00001.
gnomAD v4.1: 3 of 1,614,152 alleles (0.00019%); highest among the groups gnomAD compares: East Asian, 0.0022%; no homozygotes.

Submissions (3):

GeneDx
Classification: Uncertain significance. Last evaluated: 2025-04-07. Review status: criteria provided, single submitter. Criteria: GeneDx Variant Classification Process June 2021. Collection method: clinical testing. Allele origin: germline. Affected: yes.
Comment: Not observed at significant frequency in large population cohorts (gnomAD); In silico analysis supports that this missense variant has a deleterious effect on protein structure/function; Has not been previously published as pathogenic or benign to our knowledge; This variant is associated with the following publications: (PMID: 24311597)

Labcorp Genetics (formerly Invitae), Labcorp
Classification: Uncertain significance for Gorlin syndrome; Medulloblastoma. Last evaluated: 2024-04-02. Review status: criteria provided, single submitter. Criteria: Invitae Variant Classification Sherloc (09022015). Collection method: clinical testing. Allele origin: germline.
Comment: This sequence change replaces tyrosine, which is neutral and polar, with cysteine, which is neutral and slightly polar, at codon 99 of the SUFU protein (p.Tyr99Cys). This variant is present in population databases (no rsID available, gnomAD 0.006%). This variant has not been reported in the literature in individuals affected with SUFU-related conditions. ClinVar contains an entry for this variant (Variation ID: 582397). Advanced modeling of protein sequence and biophysical properties (such as structural, functional, and spatial information, amino acid conservation, physicochemical variation, residue mobility, and thermodynamic stability) performed at Invitae indicates that this missense variant is not expected to disrupt SUFU protein function with a negative predictive value of 80%. In summary, the available evidence is currently insufficient to determine the role of this variant in disease. Therefore, it has been classified as a Variant of Uncertain Significance.

Ambry Genetics
Classification: Uncertain significance for Hereditary cancer-predisposing syndrome. Last evaluated: 2024-01-11. Review status: criteria provided, single submitter. Criteria: Ambry Variant Classification Scheme 2023. Collection method: clinical testing. Allele origin: germline.
Comment: The p.Y99C variant (also known as c.296A>G), located in coding exon 2 of the SUFU gene, results from an A to G substitution at nucleotide position 296. The tyrosine at codon 99 is replaced by cysteine, an amino acid with highly dissimilar properties. This amino acid position is conserved. In addition, this alteration is predicted to be deleterious by in silico analysis. Since supporting evidence is limited at this time, the clinical significance of this alteration remains unclear.

NM_016169.4(SUFU):c.296A>G (p.Tyr99Cys)

Gene: SUFU (SUFU negative regulator of hedgehog signaling; plus strand). Cytogenetic location: 10q24.32.
Variant type: single nucleotide variant.
Coding change: c.296A>G on transcript NM_016169.4 (MANE Select); coding-DNA position 296, A replaced by G.
Protein change: p.Tyr99Cys; replaces tyrosine 99 with cysteine.
Molecular consequence: missense variant.
Genome position (GRCh38, 1-based): chr10:102,509,282, A>G. VCF-style: chr10-102509282-A-G. GRCh37 (hg19) VCF-style: chr10-104269039-A-G.
Other names: c.296A>G, p.Tyr99Cys (NM_001178133.2); short protein forms Y99C.
Identifiers: ClinVar variation 582397 (VCV000582397.13), dbSNP rs1464640869, ClinGen allele CA377889130.
Genomic context (GRCh38, chr10:102,509,282, plus strand): 5'-GCCCTTCTGCTAACATCCCCGAGCACTGGCACTACATCAGCTTCGGCCTGAGTGATCTCT[A>G]TGGTGACAACAGAGTCCATGAGTGAGTATATGCCACCTGTTCTTTATCCAGAGCCTTATT-3'
Protein context (NP_057253.2, residues 89-109): HYISFGLSDL[Tyr99Cys]GDNRVHEFTG